The following is an entry in ClinVar:

NM_001379451.1(BCORL1):c.785C>T (p.Pro262Leu)

Gene: BCORL1 (BCL6 corepressor like 1; plus strand). Cytogenetic location: Xq26.1.
Variant type: single nucleotide variant.
Coding change: c.785C>T on transcript NM_001379451.1 (MANE Select); coding-DNA position 785, C replaced by T.
Protein change: p.Pro262Leu; replaces proline 262 with leucine.
Molecular consequence: missense variant.
Genome position (GRCh38, 1-based): chrX:130,013,557, C>T. VCF-style: chrX-130013557-C-T. GRCh37 (hg19) VCF-style: chrX-129147533-C-T.
Other names: c.785C>T, p.Pro262Leu (NM_001184772.3, NM_001379450.1, NM_021946.5); short protein forms P262L.
Identifiers: ClinVar variation 3899863 (VCV003899863.1).
Genomic context (GRCh38, chrX:130,013,557, plus strand): 5'-CCACTTCGGTTCCAGCTCCTTCCCCTCCCTTAGCACCTGTCCCGGCTCTGGCTCCAGCGC[C>T]ACCGTCAGTGCCCACGCTCATCTCTGACTCGAACCCCCTTTCTGTTTCGGCCTCAGTCTT-3'
Protein context (NP_001366380.1, residues 252-272): LAPVPALAPA[Pro262Leu]PSVPTLISDS

ClinVar aggregate classification (germline): Uncertain significance (1 of 4 stars; one submission).

Conditions:
Shukla-Vernon syndrome. Identifiers: MedGen C5193146, MONDO:0026727, OMIM 301029.

gnomAD v4.1: 5 of 1,211,607 alleles (0.00041%); highest among the groups gnomAD compares: Non-Finnish European, 0.00045%; no homozygotes.

Submission:

Genetics Department, Catlab
Classification: Uncertain significance for Shukla-Vernon syndrome. Last evaluated: 2025-02-15. Review status: criteria provided, single submitter. Criteria: ACMG Guidelines, 2015. Collection method: clinical testing. Allele origin: germline. Affected: yes. Observed: 1 variant allele.
Comment: The c.785C>T variant has a low frecuency in the gnomAD 4.0 database, with one hemizygous individual (AF= 4.5535e-06) (PM2) and the change has a REVEL pathogenicity score of 0.058 (BP4_moderate). With all the available evidence, the variant is classified as of uncertain significance.